The following is an entry in ClinVar:

NM_000136.3(FANCC):c.1445C>T (p.Pro482Leu)

Genes: FANCC (FA complementation group C; minus strand), AOPEP (aminopeptidase O (putative); plus strand). Cytogenetic location: 9q22.32.
Variant type: single nucleotide variant.
Coding change: c.1445C>T on transcript NM_000136.3 (MANE Select); coding-DNA position 1445, C replaced by T.
Protein change: p.Pro482Leu; replaces proline 482 with leucine.
Molecular consequence: missense variant.
Genome position (GRCh38, 1-based): chr9:95,107,154, G>A on the plus strand (C>T on the coding strand, the complement: FANCC is on the minus strand). VCF-style: chr9-95107154-G-A. GRCh37 (hg19) VCF-style: chr9-97869436-G-A.
Other names: c.1445C>T, p.Pro482Leu (NM_001243743.2); short protein forms P482L.
Identifiers: ClinVar variation 2585989 (VCV002585989.2), dbSNP rs2540809095, ClinGen allele CA374105883.

ClinVar aggregate classification (germline): Uncertain significance (1 of 4 stars; one submission).

Conditions:
Hereditary cancer-predisposing syndrome. Also called: Hereditary neoplastic syndrome; Tumor predisposition; Hereditary Cancer Syndrome; Neoplastic Syndromes, Hereditary. Identifiers: Orphanet 140162, MedGen C0027672, MeSH D009386, MONDO:0015356.

Submission:

Ambry Genetics
Classification: Uncertain significance for Hereditary cancer-predisposing syndrome. Last evaluated: 2023-09-04. Review status: criteria provided, single submitter. Criteria: Ambry Variant Classification Scheme 2023. Collection method: clinical testing. Allele origin: germline.
Comment: The p.P482L variant (also known as c.1445C>T), located in coding exon 13 of the FANCC gene, results from a C to T substitution at nucleotide position 1445. The proline at codon 482 is replaced by leucine, an amino acid with similar properties. This amino acid position is conserved. In addition, this alteration is predicted to be tolerated by in silico analysis. Since supporting evidence is limited at this time, the clinical significance of this alteration remains unclear.